The following is an entry in ClinVar:

NM_138701.4(MPLKIP):c.4C>G (p.Gln2Glu)

Gene: MPLKIP (M-phase specific PLK1 interacting protein; minus strand). Cytogenetic location: 7p14.1.
Variant type: single nucleotide variant.
Coding change: c.4C>G on transcript NM_138701.4 (MANE Select); coding-DNA position 4, C replaced by G.
Protein change: p.Gln2Glu; replaces glutamine 2 with glutamic acid.
Molecular consequence: missense variant.
Genome position (GRCh38, 1-based): chr7:40,134,564, G>C on the plus strand (C>G on the coding strand, the complement: MPLKIP is on the minus strand). VCF-style: chr7-40134564-G-C. GRCh37 (hg19) VCF-style: chr7-40174163-G-C.
Other names: short protein forms Q2E.
Identifiers: ClinVar variation 2170748 (VCV002170748.4), dbSNP rs770161710, ClinGen allele CA367309100.

ClinVar aggregate classification (germline): Uncertain significance (1 of 4 stars; one submission).

Submission:

Labcorp Genetics (formerly Invitae), Labcorp
Classification: Uncertain significance. Last evaluated: 2022-02-25. Review status: criteria provided, single submitter. Criteria: Invitae Variant Classification Sherloc (09022015). Collection method: clinical testing. Allele origin: germline.
Comment: In summary, the available evidence is currently insufficient to determine the role of this variant in disease. Therefore, it has been classified as a Variant of Uncertain Significance. Algorithms developed to predict the effect of missense changes on protein structure and function are either unavailable or do not agree on the potential impact of this missense change (SIFT: "Deleterious"; PolyPhen-2: "Not Available"; Align-GVGD: "Class C0"). This variant has not been reported in the literature in individuals affected with MPLKIP-related conditions. This variant is not present in population databases (gnomAD no frequency). This sequence change replaces glutamine, which is neutral and polar, with glutamic acid, which is acidic and polar, at codon 2 of the MPLKIP protein (p.Gln2Glu).